The following is an entry in ClinVar:

ClinVar aggregate classification (germline): Uncertain significance. Review status: criteria provided, multiple submitters, no conflicts (2 of 4 stars). 2 submissions from 2 submitters: Uncertain significance (2). Last evaluated 2025-01-30.

Allele frequency attached by ClinVar (database versions not stated): gnomAD exomes below 0.00001.
gnomAD v4.1: 1 of 1,614,224 alleles (0.000062%); highest among the groups gnomAD compares: Admixed American, 0.0017%; no homozygotes.

Submissions (2):

GeneDx
Classification: Uncertain significance. Last evaluated: 2025-01-30. Review status: criteria provided, single submitter. Criteria: GeneDx Variant Classification Process June 2021. Collection method: clinical testing. Allele origin: germline. Affected: yes.
Comment: In silico analysis supports that this missense variant has a deleterious effect on protein structure/function; Not located in the triple helical region, where the majority of pathogenic missense variants occur (HGMD)

Labcorp Genetics (formerly Invitae), Labcorp
Classification: Uncertain significance. Last evaluated: 2022-09-27. Review status: criteria provided, single submitter. Criteria: Invitae Variant Classification Sherloc (09022015). Collection method: clinical testing. Allele origin: germline.
Comment: This variant is present in population databases (no rsID available, gnomAD 0.003%). This sequence change replaces glutamic acid, which is acidic and polar, with alanine, which is neutral and non-polar, at codon 1420 of the COL2A1 protein (p.Glu1420Ala). This variant has not been reported in the literature in individuals affected with COL2A1-related conditions. Advanced modeling of protein sequence and biophysical properties (such as structural, functional, and spatial information, amino acid conservation, physicochemical variation, residue mobility, and thermodynamic stability) performed at Invitae indicates that this missense variant is expected to disrupt COL2A1 protein function. In summary, the available evidence is currently insufficient to determine the role of this variant in disease. Therefore, it has been classified as a Variant of Uncertain Significance.

NM_001844.5(COL2A1):c.4259A>C (p.Glu1420Ala)

Gene: COL2A1 (collagen type II alpha 1 chain; minus strand). Cytogenetic location: 12q13.11.
Variant type: single nucleotide variant.
Coding change: c.4259A>C on transcript NM_001844.5 (MANE Select); coding-DNA position 4259, A replaced by C.
Protein change: p.Glu1420Ala; replaces glutamic acid 1420 with alanine.
Molecular consequence: missense variant.
Genome position (GRCh38, 1-based): chr12:47,974,147, T>G on the plus strand (A>C on the coding strand, the complement: COL2A1 is on the minus strand). VCF-style: chr12-47974147-T-G. GRCh37 (hg19) VCF-style: chr12-48367930-T-G.
Other names: c.4052A>C, p.Glu1351Ala (NM_033150.3); c.4259A>C (NM_001844.4); short protein forms E1351A, E1420A.
Identifiers: ClinVar variation 1720545 (VCV001720545.6), dbSNP rs1471246746, ClinGen allele CA384533515.